The following is an entry in ClinVar:

ClinVar aggregate classification (germline): Uncertain significance (1 of 4 stars; one submission).

Conditions:
Severe combined immunodeficiency due to DNA-PKcs deficiency. Also called: Immunodeficiency 26 with or without neurologic abnormalities; IMMUNODEFICIENCY 26 WITH NEUROLOGIC ABNORMALITIES. Identifiers: Orphanet 317425, MedGen C4014833, MONDO:0014423, OMIM 615966.

Allele frequency attached by ClinVar (database versions not stated): TOPMed below 0.00001.

Submission:

Labcorp Genetics (formerly Invitae), Labcorp
Classification: Uncertain significance for Severe combined immunodeficiency due to DNA-PKcs deficiency. Last evaluated: 2019-07-08. Review status: criteria provided, single submitter. Criteria: Invitae Variant Classification Sherloc (09022015). Collection method: clinical testing. Allele origin: germline.
Comment: In summary, the available evidence is currently insufficient to determine the role of this variant in disease. Therefore, it has been classified as a Variant of Uncertain Significance. Algorithms developed to predict the effect of missense changes on protein structure and function (SIFT, PolyPhen-2, Align-GVGD) all suggest that this variant is likely to be tolerated, but these predictions have not been confirmed by published functional studies and their clinical significance is uncertain. This variant has not been reported in the literature in individuals with PRKDC-related conditions. This variant is not present in population databases (ExAC no frequency). This sequence change replaces serine with cysteine at codon 1660 of the PRKDC protein (p.Ser1660Cys). The serine residue is moderately conserved and there is a moderate physicochemical difference between serine and cysteine.

NM_006904.7(PRKDC):c.4979C>G (p.Ser1660Cys)

Gene: PRKDC (protein kinase, DNA-activated, catalytic subunit; minus strand). Cytogenetic location: 8q11.21.
Variant type: single nucleotide variant.
Coding change: c.4979C>G on transcript NM_006904.7 (MANE Select); coding-DNA position 4979, C replaced by G.
Protein change: p.Ser1660Cys; replaces serine 1660 with cysteine.
Molecular consequence: missense variant.
Genome position (GRCh38, 1-based): chr8:47,881,504, G>C on the plus strand (C>G on the coding strand, the complement: PRKDC is on the minus strand). VCF-style: chr8-47881504-G-C. GRCh37 (hg19) VCF-style: chr8-48794065-G-C.
Other names: c.4979C>G, p.Ser1660Cys (NM_001081640.2); short protein forms S1660C.
Identifiers: ClinVar variation 938802 (VCV000938802.8), dbSNP rs2089216105, ClinGen allele CA371140066.
Genomic context (GRCh38, chr8:47,881,504, plus strand): 5'-GCAAGTAGACTAATATATGTTGTAAAGACTTCAGGGAATGAACCATGACTTGTATTAAAA[G>C]ATACAGATGAATCAATCTAAAGGAAGGAAAAGAAAAACAGGACACATTTGTATATTACAT-3'
Protein context (NP_008835.5, residues 1650-1670): AKILQIDSSV[Ser1660Cys]FNTSHGSFPE